The following is an entry in ClinVar:

ClinVar aggregate classification (germline): Uncertain significance (1 of 4 stars; one submission).

Conditions:
MPI-congenital disorder of glycosylation. Also called: CDG Ib; MPI-CDG; MANNOSEPHOSPHATE ISOMERASE DEFICIENCY; MPI DEFICIENCY; PROTEIN-LOSING ENTEROPATHY-HEPATIC FIBROSIS SYNDROME; CONGENITAL DISORDER OF GLYCOSYLATION, TYPE Ib. Identifiers: Orphanet 79319, MedGen C1865145, MONDO:0011257, OMIM 602579.

gnomAD v4.1: 14 of 1,613,636 alleles (0.00087%); highest among the groups gnomAD compares: Non-Finnish European, 0.000085%; no homozygotes.

Submission:

Labcorp Genetics (formerly Invitae), Labcorp
Classification: Uncertain significance for MPI-congenital disorder of glycosylation. Last evaluated: 2025-12-01. Review status: criteria provided, single submitter. Criteria: Invitae Variant Classification Sherloc (09022015). Collection method: clinical testing. Allele origin: germline.
Comment: This sequence change replaces alanine, which is neutral and non-polar, with serine, which is neutral and polar, at codon 47 of the MPI protein (p.Ala47Ser). This variant is present in population databases (rs201856169, gnomAD 0.02%). This variant has not been reported in the literature in individuals affected with MPI-related conditions. Invitae Evidence Modeling of protein sequence and biophysical properties (such as structural, functional, and spatial information, amino acid conservation, physicochemical variation, residue mobility, and thermodynamic stability) indicates that this missense variant is not expected to disrupt MPI protein function with a negative predictive value of 80%. In summary, the available evidence is currently insufficient to determine the role of this variant in disease. Therefore, it has been classified as a Variant of Uncertain Significance.

NM_002435.3(MPI):c.139G>T (p.Ala47Ser)

Gene: MPI (mannose phosphate isomerase; plus strand). Cytogenetic location: 15q24.1.
Variant type: single nucleotide variant.
Coding change: c.139G>T on transcript NM_002435.3 (MANE Select); coding-DNA position 139, G replaced by T.
Protein change: p.Ala47Ser; replaces alanine 47 with serine.
Molecular consequence: missense variant. On other transcripts: intron variant (1).
Genome position (GRCh38, 1-based): chr15:74,890,649, G>T. VCF-style: chr15-74890649-G-T. GRCh37 (hg19) VCF-style: chr15-75182990-G-T.
Other names: c.139G>T, p.Ala47Ser (NM_001289155.2, NM_001289157.2); c.79G>T, p.Ala27Ser (NM_001330372.2); c.-7+560G>T (NM_001289156.2); short protein forms A27S, A47S.
Identifiers: ClinVar variation 4698035 (VCV004698035.1).